The following is an entry in ClinVar:

NM_006514.4(SCN10A):c.1850T>C (p.Ile617Thr)

Gene: SCN10A (sodium voltage-gated channel alpha subunit 10; minus strand). Cytogenetic location: 3p22.2.
Variant type: single nucleotide variant.
Coding change: c.1850T>C on transcript NM_006514.4 (MANE Select); coding-DNA position 1850, T replaced by C.
Protein change: p.Ile617Thr; replaces isoleucine 617 with threonine.
Molecular consequence: missense variant.
Genome position (GRCh38, 1-based): chr3:38,750,090, A>G on the plus strand (T>C on the coding strand, the complement: SCN10A is on the minus strand). VCF-style: chr3-38750090-A-G. GRCh37 (hg19) VCF-style: chr3-38791581-A-G.
Other names: c.1850T>C, p.Ile617Thr (NM_001293306.2); c.1556T>C, p.Ile519Thr (NM_001293307.2); short protein forms I519T, I617T.
Identifiers: ClinVar variation 1507376 (VCV001507376.8), dbSNP rs1333728789, ClinGen allele CA352166535.
Genomic context (GRCh38, chr3:38,750,090, plus strand): 5'-CATCATGACACAGTGGATGAACAATGCAGTGAGCAGCACTTACCCTCAAGGACGGAGGTT[A>G]TGATACTGACAACACTCATTGCCCTTTGGGCCCGGAAAGGTTCATCTAAGTATTCTGCTG-3'
Protein context (NP_006505.4, residues 607-627): AQRAMSVVSI[Ile617Thr]TSVLEELEES

ClinVar aggregate classification (germline): Uncertain significance (1 of 4 stars; one submission).

Conditions:
Brugada syndrome. Also called: Sudden unexplained nocturnal death syndrome; Sudden unexpected nocturnal death syndrome; Sudden Unexplained Death Syndrome; Sudden Unexplained Nocturnal Death Syndrome (SUNDS). Identifiers: Orphanet 130, MedGen C1142166, MONDO:0015263.

Allele frequency attached by ClinVar (database versions not stated): gnomAD exomes below 0.00001.
gnomAD v4.1: 3 of 1,604,682 alleles (0.00019%); highest among the groups gnomAD compares: South Asian, 0.0022%; no homozygotes.

Submission:

Labcorp Genetics (formerly Invitae), Labcorp
Classification: Uncertain significance for Brugada syndrome. Last evaluated: 2022-11-08. Review status: criteria provided, single submitter. Criteria: Invitae Variant Classification Sherloc (09022015). Collection method: clinical testing. Allele origin: germline.
Comment: Advanced modeling of protein sequence and biophysical properties (such as structural, functional, and spatial information, amino acid conservation, physicochemical variation, residue mobility, and thermodynamic stability) performed at Invitae indicates that this missense variant is not expected to disrupt SCN10A protein function. In summary, the available evidence is currently insufficient to determine the role of this variant in disease. Therefore, it has been classified as a Variant of Uncertain Significance. ClinVar contains an entry for this variant (Variation ID: 1507376). This variant has not been reported in the literature in individuals affected with SCN10A-related conditions. This variant is present in population databases (no rsID available, gnomAD 0.003%). This sequence change replaces isoleucine, which is neutral and non-polar, with threonine, which is neutral and polar, at codon 617 of the SCN10A protein (p.Ile617Thr).